The following is an entry in ClinVar:

NM_006744.4(RBP4):c.355+123T>G

Gene: RBP4 (retinol binding protein 4; minus strand). Cytogenetic location: 10q23.33.
Variant type: single nucleotide variant.
Coding change: c.355+123T>G on transcript NM_006744.4 (MANE Select); 123 bases into the intron after coding-DNA position 355, T replaced by G.
Molecular consequence: intron variant.
Genome position (GRCh38, 1-based): chr10:93,600,270, A>C on the plus strand (T>G on the coding strand, the complement: RBP4 is on the minus strand). VCF-style: chr10-93600270-A-C. GRCh37 (hg19) VCF-style: chr10-95360027-A-C.
Other names: c.349+123T>G (NM_001323518.2); c.355+123T>G (NM_001323517.1).
Identifiers: ClinVar variation 931422 (VCV000931422.7), dbSNP rs36014035, ClinGen allele CA13165080.

ClinVar aggregate classification (germline): Benign. Review status: criteria provided, multiple submitters, no conflicts (2 of 4 stars). 3 submissions from 3 submitters: Benign (3). Last evaluated 2021-05-14.

Conditions:
Progressive retinal dystrophy due to retinol transport defect. Also called: Retinal dystrophy, iris coloboma, and comedogenic acne syndrome. Identifiers: Orphanet 352718, MedGen C3554593, MONDO:0014060, OMIM 615147.

Allele frequency attached by ClinVar (database versions not stated): 1000 Genomes Project 30x 0.34307; 1000 Genomes Project 0.34704; gnomAD exomes 0.37002; TOPMed 0.39166; gnomAD 0.39414 and 0.39641.
gnomAD v4.1: 326,935 of 871,908 alleles (37%); highest among the groups gnomAD compares: Middle Eastern, 48%; 64,371 homozygotes.

Submissions (3):

GeneDx
Classification: Benign. Last evaluated: 2021-05-14. Review status: criteria provided, single submitter. Criteria: GeneDx Variant Classification Process June 2021. Collection method: clinical testing. Allele origin: germline. Affected: yes.

Centre for Mendelian Genomics, University Medical Centre Ljubljana
Classification: Benign for Progressive retinal dystrophy due to retinol transport defect. Last evaluated: 2018-12-20. Review status: criteria provided, single submitter. Criteria: ACMG Guidelines, 2015. Collection method: clinical testing. Allele origin: unknown. Affected: yes.
Comment: This variant was classified as: Benign. This variant was detected in homozygous state.

Breakthrough Genomics
Classification: Benign. Review status: criteria provided, single submitter. Criteria: ACMG Guidelines, 2015. Collection method: not provided. Allele origin: germline. Inheritance: Autosomal recessive inheritance. Affected: yes.